The following is an entry in ClinVar:

NM_152783.5(D2HGDH):c.1420G>A (p.Ala474Thr)

Gene: D2HGDH (D-2-hydroxyglutarate dehydrogenase; plus strand). Cytogenetic location: 2q37.3.
Variant type: single nucleotide variant.
Coding change: c.1420G>A on transcript NM_152783.5 (MANE Select); coding-DNA position 1420, G replaced by A.
Protein change: p.Ala474Thr; replaces alanine 474 with threonine.
Molecular consequence: missense variant. On other transcripts: non-coding transcript variant (1).
Genome position (GRCh38, 1-based): chr2:241,767,823, G>A. VCF-style: chr2-241767823-G-A. GRCh37 (hg19) VCF-style: chr2-242707238-G-A.
Other names: c.1018G>A, p.Ala340Thr (NM_001287249.2); c.859G>A, p.Ala287Thr (NM_001352824.2); short protein forms A287T, A340T, A474T.
Identifiers: ClinVar variation 4084883 (VCV004084883.8).

ClinVar aggregate classification (germline): Likely pathogenic (1 of 4 stars; one submission).

gnomAD v4.1: 15 of 1,612,380 alleles (0.00093%); highest among the groups gnomAD compares: Admixed American, 0.0033%; no homozygotes.

Submission:

CeGaT Center for Human Genetics Tuebingen
Classification: Likely pathogenic. Last evaluated: 2025-07-01. Review status: criteria provided, single submitter. Criteria: CeGaT Center For Human Genetics Tuebingen Variant Classification Criteria Version 2. Collection method: clinical testing. Allele origin: germline. Affected: yes. Observed: 1 variant allele.
Comment: D2HGDH: PM2, PM5, PM1:Supporting, PP4